The following is an entry in ClinVar:

NM_025114.4(CEP290):c.569A>G (p.Gln190Arg)

Gene: CEP290 (centrosomal protein 290; minus strand). Cytogenetic location: 12q21.32.
Variant type: single nucleotide variant.
Coding change: c.569A>G on transcript NM_025114.4 (MANE Select); coding-DNA position 569, A replaced by G.
Protein change: p.Gln190Arg; replaces glutamine 190 with arginine.
Molecular consequence: missense variant.
Genome position (GRCh38, 1-based): chr12:88,130,368, T>C on the plus strand (A>G on the coding strand, the complement: CEP290 is on the minus strand). VCF-style: chr12-88130368-T-C. GRCh37 (hg19) VCF-style: chr12-88524145-T-C.
Other names: short protein forms Q190R.
Identifiers: ClinVar variation 1393502 (VCV001393502.6), dbSNP rs2039990572, ClinGen allele CA385986382.

ClinVar aggregate classification (germline): Uncertain significance (1 of 4 stars; one submission).

Conditions:
Joubert syndrome. Also called: CEREBELLOPARENCHYMAL DISORDER IV; JOUBERT-BOLTSHAUSER SYNDROME; Familial aplasia of the vermis. Identifiers: Orphanet 475, MedGen C5979921, MONDO:0018772.
Nephronophthisis. Also called: Juvenile Nephronophthisis. Identifiers: Orphanet 655, MedGen C0687120, MONDO:0019005, HP:0000090.
Meckel-Gruber syndrome. Also called: DYSENCEPHALIA SPLANCHNOCYSTICA; GRUBER SYNDROME; Dysencephalia splachnocystica. Identifiers: Orphanet 564, MedGen C0265215, MONDO:0018921.

Allele frequency attached by ClinVar (database versions not stated): TOPMed below 0.00001.

Submission:

Labcorp Genetics (formerly Invitae), Labcorp
Classification: Uncertain significance for Joubert syndrome; Meckel-Gruber syndrome; Nephronophthisis. Last evaluated: 2021-10-10. Review status: criteria provided, single submitter. Criteria: Invitae Variant Classification Sherloc (09022015). Collection method: clinical testing. Allele origin: germline.
Comment: This variant has not been reported in the literature in individuals with CEP290-related conditions. This variant is not present in population databases (ExAC no frequency). This sequence change replaces glutamine with arginine at codon 190 of the CEP290 protein (p.Gln190Arg). The glutamine residue is moderately conserved and there is a small physicochemical difference between glutamine and arginine. Algorithms developed to predict the effect of missense changes on protein structure and function are either unavailable or do not agree on the potential impact of this missense change (SIFT: "Tolerated"; PolyPhen-2: "Possibly Damaging"; Align-GVGD: "Class C0"). In summary, the available evidence is currently insufficient to determine the role of this variant in disease. Therefore, it has been classified as a Variant of Uncertain Significance.